The following is an entry in ClinVar:

ClinVar aggregate classification (germline): Benign. Review status: criteria provided, multiple submitters, no conflicts (2 of 4 stars). 3 submissions from 3 submitters: Benign (2). 1 of the submissions does not count toward it. Last evaluated 2026-02-03.

Conditions:
UNC80-related disorder. Also called: UNC80-related condition.

Allele frequency attached by ClinVar (database versions not stated): gnomAD exomes 0.00296; ExAC 0.00371; ESP Exome Variant Server 0.00986; 1000 Genomes Project 0.01158; gnomAD 0.01207 and 0.01291; 1000 Genomes Project 30x 0.01265; TOPMed 0.01320.
gnomAD v4.1: 3,645 of 1,551,636 alleles (0.23%); highest among the groups gnomAD compares: African/African-American, 4%; 77 homozygotes.

Submissions (3):

Labcorp Genetics (formerly Invitae), Labcorp
Classification: Benign. Last evaluated: 2026-02-03. Review status: criteria provided, single submitter. Criteria: Invitae Variant Classification Sherloc (09022015). Collection method: clinical testing. Allele origin: germline.

Breakthrough Genomics
Classification: Benign. Review status: criteria provided, single submitter. Criteria: ACMG Guidelines, 2015. Collection method: not provided. Allele origin: germline. Inheritance: Autosomal recessive inheritance. Affected: yes.

PreventionGenetics, part of Exact Sciences
Classification: Benign for UNC80-related condition. Last evaluated: 2019-07-19. Review status: no assertion criteria provided. Collection method: clinical testing. Allele origin: germline. Not counted in ClinVar's aggregate classification.
Comment: This variant is classified as benign based on ACMG/AMP sequence variant interpretation guidelines (Richards et al. 2015 PMID: 25741868, with internal and published modifications).

NM_001371986.1(UNC80):c.1659C>G (p.Pro553=)

Genes: UNC80 (unc-80 subunit of NALCN channel complex; plus strand), LOC122861286 (Sharpr-MPRA regulatory region 8450; plus strand). Cytogenetic location: 2q34.
Variant type: single nucleotide variant.
Coding change: c.1659C>G on transcript NM_001371986.1 (MANE Select); coding-DNA position 1659, C replaced by G.
Protein change: p.Pro553=; no amino-acid change (proline 553 retained).
Molecular consequence: synonymous variant.
Genome position (GRCh38, 1-based): chr2:209,817,918, C>G. VCF-style: chr2-209817918-C-G. GRCh37 (hg19) VCF-style: chr2-210682642-C-G.
Other names: c.1659C>G, p.Pro553= (NM_032504.2, NM_182587.4).
Identifiers: ClinVar variation 789565 (VCV000789565.14), dbSNP rs144752663, ClinGen allele CA2082957.